The following is an entry in ClinVar:

ClinVar aggregate classification (germline): Uncertain significance. Review status: criteria provided, multiple submitters, no conflicts (2 of 4 stars). 3 submissions from 3 submitters: Uncertain significance (3). Last evaluated 2024-05-14.

Conditions:
Autosomal dominant polycystic kidney disease. Identifiers: Orphanet 730, MedGen C0085413, MONDO:0004691.
Polycystic kidney disease 2 (PKD2). Also called: POLYCYSTIC KIDNEY DISEASE, ADULT, TYPE II; Polycystic Kidney Disease 2, Autosomal Dominant; POLYCYSTIC KIDNEY DISEASE 2 WITH OR WITHOUT POLYCYSTIC LIVER DISEASE. Identifiers: MedGen C2751306, MONDO:0013131, OMIM 613095.

Allele frequency attached by ClinVar (database versions not stated): gnomAD exomes below 0.00001; ExAC 0.00002.
gnomAD v4.1: 3 of 1,605,876 alleles (0.00019%); highest among the groups gnomAD compares: Admixed American, 0.0033%; no homozygotes.

Submissions (3):

Fulgent Genetics
Classification: Uncertain significance for Polycystic kidney disease 2. Last evaluated: 2024-05-14. Review status: criteria provided, single submitter. Criteria: ACMG Guidelines, 2015. Collection method: clinical testing. Allele origin: germline.

Labcorp Genetics (formerly Invitae), Labcorp
Classification: Uncertain significance for Autosomal dominant polycystic kidney disease. Last evaluated: 2024-02-07. Review status: criteria provided, single submitter. Criteria: Invitae Variant Classification Sherloc (09022015). Collection method: clinical testing. Allele origin: germline.
Comment: This sequence change replaces asparagine, which is neutral and polar, with lysine, which is basic and polar, at codon 547 of the PKD2 protein (p.Asn547Lys). This variant is present in population databases (rs760705469, gnomAD 0.006%). This variant has not been reported in the literature in individuals affected with PKD2-related conditions. ClinVar contains an entry for this variant (Variation ID: 1807325). Advanced modeling of protein sequence and biophysical properties (such as structural, functional, and spatial information, amino acid conservation, physicochemical variation, residue mobility, and thermodynamic stability) performed at Invitae indicates that this missense variant is not expected to disrupt PKD2 protein function with a negative predictive value of 80%. In summary, the available evidence is currently insufficient to determine the role of this variant in disease. Therefore, it has been classified as a Variant of Uncertain Significance.

Athena Diagnostics
Classification: Uncertain significance. Last evaluated: 2022-01-28. Review status: criteria provided, single submitter. Criteria: Athena Diagnostics Criteria. Collection method: clinical testing. Allele origin: unknown.

NM_000297.4(PKD2):c.1641C>A (p.Asn547Lys)

Gene: PKD2 (polycystin 2, transient receptor potential cation channel; plus strand). Cytogenetic location: 4q22.1.
Variant type: single nucleotide variant.
Coding change: c.1641C>A on transcript NM_000297.4 (MANE Select); coding-DNA position 1641, C replaced by A.
Protein change: p.Asn547Lys; replaces asparagine 547 with lysine.
Molecular consequence: missense variant. On other transcripts: non-coding transcript variant (1).
Genome position (GRCh38, 1-based): chr4:88,052,083, C>A. VCF-style: chr4-88052083-C-A. GRCh37 (hg19) VCF-style: chr4-88973235-C-A.
Other names: short protein forms N547K.
Identifiers: ClinVar variation 1807325 (VCV001807325.4), dbSNP rs760705469, ClinGen allele CA3004008.